The following is an entry in ClinVar:

NM_001303256.3(MORC2):c.158-5T>G

Gene: MORC2 (MORC family CW-type zinc finger 2; minus strand). Cytogenetic location: 22q12.2.
Variant type: single nucleotide variant.
Coding change: c.158-5T>G on transcript NM_001303256.3 (MANE Select); 5 bases into the intron before coding-DNA position 158, T replaced by G.
Molecular consequence: intron variant.
Genome position (GRCh38, 1-based): chr22:30,950,450, A>C on the plus strand (T>G on the coding strand, the complement: MORC2 is on the minus strand). VCF-style: chr22-30950450-A-C. GRCh37 (hg19) VCF-style: chr22-31346436-A-C.
Other names: c.158-5T>G (NM_001303257.2); c.-29-5T>G (NM_014941.3).
Identifiers: ClinVar variation 954879 (VCV000954879.10), dbSNP rs764556739, ClinGen allele CA10187360.

ClinVar aggregate classification (germline): Uncertain significance (1 of 4 stars; one submission).

Conditions:
Charcot-Marie-Tooth disease axonal type 2Z. Also called: CHARCOT-MARIE-TOOTH DISEASE, AXONAL, AUTOSOMAL DOMINANT, TYPE 2Z; CHARCOT-MARIE-TOOTH NEUROPATHY, TYPE 2Z. Identifiers: Orphanet 466768, MedGen C5569025, MONDO:0014736, OMIM 616688.

Allele frequency attached by ClinVar (database versions not stated): gnomAD exomes below 0.00001; ExAC 0.00001.

Submission:

Labcorp Genetics (formerly Invitae), Labcorp
Classification: Uncertain significance for Charcot-Marie-Tooth disease axonal type 2Z. Last evaluated: 2022-05-05. Review status: criteria provided, single submitter. Criteria: Invitae Variant Classification Sherloc (09022015). Collection method: clinical testing. Allele origin: germline.
Comment: This variant has been observed in individual(s) with neuromuscular weakness and sensory and motor neuropathy (Invitae). This variant is present in population databases (rs764556739, gnomAD 0.003%). This sequence change falls in intron 3 of the MORC2 gene. It does not directly change the encoded amino acid sequence of the MORC2 protein. ClinVar contains an entry for this variant (Variation ID: 954879). In summary, the available evidence is currently insufficient to determine the role of this variant in disease. Therefore, it has been classified as a Variant of Uncertain Significance. Algorithms developed to predict the effect of sequence changes on RNA splicing suggest that this variant may create or strengthen a splice site.